The following is an entry in ClinVar:

NM_004035.7(ACOX1):c.1469G>A (p.Arg490His)

Gene: ACOX1 (acyl-CoA oxidase 1; minus strand). Cytogenetic location: 17q25.1.
Variant type: single nucleotide variant.
Coding change: c.1469G>A on transcript NM_004035.7 (MANE Select); coding-DNA position 1469, G replaced by A.
Protein change: p.Arg490His; replaces arginine 490 with histidine.
Molecular consequence: missense variant.
Genome position (GRCh38, 1-based): chr17:75,949,727, C>T on the plus strand (G>A on the coding strand, the complement: ACOX1 is on the minus strand). VCF-style: chr17-75949727-C-T. GRCh37 (hg19) VCF-style: chr17-73945808-C-T.
Other names: c.1355G>A, p.Arg452His (NM_001185039.2); c.1469G>A, p.Arg490His (NM_007292.6); short protein forms R452H, R490H.
Identifiers: ClinVar variation 991135 (VCV000991135.2), dbSNP rs762956777, ClinGen allele CA8776767.

ClinVar aggregate classification (germline): Uncertain significance. Review status: criteria provided, multiple submitters, no conflicts (2 of 4 stars). 3 submissions from 3 submitters: Uncertain significance (2). 1 of the submissions does not count toward it. Last evaluated 2021-08-17.

Conditions:
Mitchell syndrome. Identifiers: Orphanet 631248, MedGen C5394554, MONDO:0030073, OMIM 618960.
Acyl-CoA oxidase deficiency. Also called: STRAIGHT-CHAIN ACYL-CoA OXIDASE DEFICIENCY; Pseudoneonatal adrenoleukodystrophy; Peroxisomal acyl-CoA oxidase deficiency. Identifiers: Orphanet 2971, MedGen C1849678, MONDO:0009919, OMIM 264470. Disease mechanism: loss of function.

Allele frequency attached by ClinVar (database versions not stated): gnomAD 0.00001 and 0.00002; TOPMed 0.00002; ExAC 0.00004; gnomAD exomes 0.00004.
gnomAD v4.1: 89 of 1,614,024 alleles (0.0055%); highest among the groups gnomAD compares: South Asian, 0.029%; no homozygotes.

Submissions (3):

Fulgent Genetics
Classification: Uncertain significance for Acyl-CoA oxidase deficiency; Mitchell syndrome. Last evaluated: 2021-08-17. Review status: criteria provided, single submitter. Criteria: ACMG Guidelines, 2015. Collection method: clinical testing. Allele origin: unknown.

Neuberg Centre For Genomic Medicine, NCGM
Classification: Uncertain significance for Mitchell syndrome. Review status: criteria provided, single submitter. Criteria: ACMG Guidelines, 2015. Collection method: clinical testing. Allele origin: germline. Inheritance: Autosomal dominant inheritance. Affected: yes.
Comment: The c.1469G>A (p.Arg490His) missense variant in ACOX1 gene has been submitted to ClinVar as a Variant of Uncertain Significance, but no details are available for independent assessment. It has not been reported in affected individuals. This variant is reported with the allele frequency (0.003%) in the gnomAD and novel in 1000 genome database. The amino acid Arg at position 490 is changed to a His changing protein sequence and it might alter its composition and physico-chemical properties. The variant is predicted to be damaging by both SIFT and PolyPhen2. The residue is conserved across species. The amino acid change p.Arg490His in ACOX1 is predicted as conserved by GERP++ and PhyloP across 100 vertebrates. For these reasons, this variant has been classified as Variant of Uncertain Significance (VUS).

Natera, Inc.
Classification: Uncertain significance for Peroxisomal acyl CoA oxidase deficiency. Last evaluated: 2020-08-14. Review status: no assertion criteria provided. Collection method: clinical testing. Allele origin: germline. Not counted in ClinVar's aggregate classification.